The following is an entry in ClinVar:

NM_022773.4(LMF1):c.1614G>C (p.Lys538Asn)

Gene: LMF1 (lipase maturation factor 1; minus strand). Cytogenetic location: 16p13.3.
Variant type: single nucleotide variant.
Coding change: c.1614G>C on transcript NM_022773.4 (MANE Select); coding-DNA position 1614, G replaced by C.
Protein change: p.Lys538Asn; replaces lysine 538 with asparagine.
Molecular consequence: missense variant. On other transcripts: non-coding transcript variant (1).
Genome position (GRCh38, 1-based): chr16:854,622, C>G on the plus strand (G>C on the coding strand, the complement: LMF1 is on the minus strand). VCF-style: chr16-854622-C-G. GRCh37 (hg19) VCF-style: chr16-904622-C-G.
Other names: c.963G>C, p.Lys321Asn (NM_001352017.2, NM_001352021.2); c.1215G>C, p.Lys405Asn (NM_001352018.2); c.1287G>C, p.Lys429Asn (NM_001352019.2); c.1534G>C, p.Glu512Gln (NM_001352020.1); short protein forms K538N, E512Q, K321N, K405N, K429N.
Identifiers: ClinVar variation 4614530 (VCV004614530.1).

ClinVar aggregate classification (germline): Uncertain significance (1 of 4 stars; one submission).

Conditions:
Cardiovascular phenotype. Identifiers: MedGen CN230736.

Submission:

Ambry Genetics
Classification: Uncertain significance for Cardiovascular phenotype. Last evaluated: 2025-11-25. Review status: criteria provided, single submitter. Criteria: Ambry Variant Classification Scheme 2023. Collection method: clinical testing. Allele origin: germline.
Comment: The p.K538N variant (also known as c.1614G>C), located in coding exon 11 of the LMF1 gene, results from a G to C substitution at nucleotide position 1614. The lysine at codon 538 is replaced by asparagine, an amino acid with similar properties. This amino acid position is conserved. In addition, this alteration is predicted to be tolerated by in silico analysis. Based on the available evidence, the clinical significance of this variant remains unclear.